The following is an entry in ClinVar:

NM_000179.3(MSH6):c.2595C>G (p.Phe865Leu)

Gene: MSH6 (mutS homolog 6; plus strand). Cytogenetic location: 2p16.3.
Variant type: single nucleotide variant.
Coding change: c.2595C>G on transcript NM_000179.3 (MANE Select); coding-DNA position 2595, C replaced by G.
Protein change: p.Phe865Leu; replaces phenylalanine 865 with leucine.
Molecular consequence: missense variant.
Genome position (GRCh38, 1-based): chr2:47,800,578, C>G. VCF-style: chr2-47800578-C-G. GRCh37 (hg19) VCF-style: chr2-48027717-C-G.
Other names: c.2205C>G, p.Phe735Leu (NM_001281492.2); c.1689C>G, p.Phe563Leu (NM_001281493.2, NM_001281494.2); short protein forms F865L, F563L, F735L.
Identifiers: ClinVar variation 220239 (VCV000220239.13), dbSNP rs757202837, ClinGen allele CA350585.
Genomic context (GRCh38, chr2:47,800,578, plus strand): 5'-TGAAGAAACTACATACAGCAAGAAGAAGATTATTGATTTTCTTTCTGCTCTGGAAGGATT[C>G]AAAGTAATGTGTAAAATTATAGGGATCATGGAAGAAGTTGCTGATGGTTTTAAGTCTAAA-3'
Protein context (NP_000170.1, residues 855-875): IIDFLSALEG[Phe865Leu]KVMCKIIGIM

ClinVar aggregate classification (germline): Uncertain significance. Review status: criteria provided, multiple submitters, no conflicts (2 of 4 stars). 3 submissions from 3 submitters: Uncertain significance (3). Last evaluated 2025-12-09.

Conditions:
Hereditary nonpolyposis colorectal neoplasms. Identifiers: MedGen C0009405, MeSH D003123.
Hereditary cancer-predisposing syndrome. Also called: Hereditary neoplastic syndrome; Tumor predisposition; Hereditary Cancer Syndrome; Neoplastic Syndromes, Hereditary. Identifiers: Orphanet 140162, MedGen C0027672, MeSH D009386, MONDO:0015356.

Submissions (3):

Ambry Genetics
Classification: Uncertain significance for Hereditary cancer-predisposing syndrome. Last evaluated: 2025-12-09. Review status: criteria provided, single submitter. Criteria: Ambry Variant Classification Scheme 2023. Collection method: clinical testing. Allele origin: germline.
Comment: The p.F865L variant (also known as c.2595C>G), located in coding exon 4 of the MSH6 gene, results from a C to G substitution at nucleotide position 2595. The phenylalanine at codon 865 is replaced by leucine, an amino acid with highly similar properties. This amino acid position is highly conserved in available vertebrate species. In addition, this alteration is predicted to be deleterious by in silico analysis. Based on the available evidence, the clinical significance of this variant remains unclear.

Labcorp Genetics (formerly Invitae), Labcorp
Classification: Uncertain significance for Hereditary nonpolyposis colorectal neoplasms. Last evaluated: 2024-11-19. Review status: criteria provided, single submitter. Criteria: Invitae Variant Classification Sherloc (09022015). Collection method: clinical testing. Allele origin: germline.
Comment: This sequence change replaces phenylalanine, which is neutral and non-polar, with leucine, which is neutral and non-polar, at codon 865 of the MSH6 protein (p.Phe865Leu). This variant is not present in population databases (gnomAD no frequency). This variant has not been reported in the literature in individuals affected with MSH6-related conditions. ClinVar contains an entry for this variant (Variation ID: 220239). Invitae Evidence Modeling of protein sequence and biophysical properties (such as structural, functional, and spatial information, amino acid conservation, physicochemical variation, residue mobility, and thermodynamic stability) indicates that this missense variant is not expected to disrupt MSH6 protein function with a negative predictive value of 95%. In summary, the available evidence is currently insufficient to determine the role of this variant in disease. Therefore, it has been classified as a Variant of Uncertain Significance.

Color Diagnostics, LLC DBA Color Health
Classification: Uncertain significance for Hereditary cancer-predisposing syndrome. Last evaluated: 2023-07-18. Review status: criteria provided, single submitter. Criteria: ACMG Guidelines, 2015. Collection method: clinical testing. Allele origin: germline.
Comment: This missense variant replaces phenylalanine with leucine at codon 865 of the MSH6 protein. Computational prediction suggests that this variant may have deleterious impact on protein structure and function (internally defined REVEL score threshold >= 0.7, PMID: 27666373). To our knowledge, functional studies have not been reported for this variant. This variant has not been reported in individuals affected with MSH6-related disorders in the literature. This variant has not been identified in the general population by the Genome Aggregation Database (gnomAD). The available evidence is insufficient to determine the role of this variant in disease conclusively. Therefore, this variant is classified as a Variant of Uncertain Significance.